The following is an entry in ClinVar:

ClinVar aggregate classification (germline): Uncertain significance (1 of 4 stars; one submission).

Conditions:
Hereditary cancer-predisposing syndrome. Also called: Tumor predisposition; Neoplastic Syndromes, Hereditary; Hereditary Cancer Syndrome; Hereditary neoplastic syndrome. Identifiers: Orphanet 140162, MedGen C0027672, MeSH D009386, MONDO:0015356.

Submission:

Ambry Genetics
Classification: Uncertain significance for Hereditary cancer-predisposing syndrome. Last evaluated: 2024-11-15. Review status: criteria provided, single submitter. Criteria: Ambry Variant Classification Scheme 2023. Collection method: clinical testing. Allele origin: germline.
Comment: The p.D283N variant (also known as c.847G>A), located in coding exon 6 of the DICER1 gene, results from a G to A substitution at nucleotide position 847. The aspartic acid at codon 283 is replaced by asparagine, an amino acid with highly similar properties. This amino acid position is conserved. In addition, this alteration is predicted to be tolerated by in silico analysis. Based on the available evidence, the clinical significance of this variant remains unclear.

NM_177438.3(DICER1):c.847G>A (p.Asp283Asn)

Gene: DICER1 (dicer 1, ribonuclease III; minus strand). Cytogenetic location: 14q32.13.
Variant type: single nucleotide variant.
Coding change: c.847G>A on transcript NM_177438.3 (MANE Select); coding-DNA position 847, G replaced by A.
Protein change: p.Asp283Asn; replaces aspartic acid 283 with asparagine.
Molecular consequence: missense variant. On other transcripts: 5 prime UTR variant (1), non-coding transcript variant (6).
Genome position (GRCh38, 1-based): chr14:95,126,636, C>T on the plus strand (G>A on the coding strand, the complement: DICER1 is on the minus strand). VCF-style: chr14-95126636-C-T. GRCh37 (hg19) VCF-style: chr14-95592973-C-T.
Other names: c.847G>A, p.Asp283Asn (NM_001195573.1, NM_001271282.3, NM_001291628.2 and 14 more transcripts); c.565G>A, p.Asp189Asn (NM_001395686.1); c.442G>A, p.Asp148Asn (NM_001395687.1, NM_001395688.1, NM_001395689.1 and 3 more transcripts); c.280G>A, p.Asp94Asn (NM_001395691.1); c.-722G>A (NM_001395697.1); short protein forms D148N, D189N, D283N, D94N.
Identifiers: ClinVar variation 3501953 (VCV003501953.1).
Genomic context (GRCh38, chr14:95,126,636, plus strand): 5'-TTACCTGTTTCGAAATTAAAGTAGAATCTCTTTCTTTTGAATGTACAGATATATTACAAT[C>T]ATTGATAAAATTAAGTGCTTCTTCTAATTCCATCAGCAGTCTTTCATAAAGCCCACTTCT-3'
Protein context (NP_803187.1, residues 273-293): ELEEALNFIN[Asp283Asn]CNISVHSKER